The following is an entry in ClinVar:

NM_170754.4(TNS2):c.2918C>T (p.Pro973Leu)

Gene: TNS2 (tensin 2; plus strand). Cytogenetic location: 12q13.13.
Variant type: single nucleotide variant.
Coding change: c.2918C>T on transcript NM_170754.4 (MANE Select); coding-DNA position 2918, C replaced by T.
Protein change: p.Pro973Leu; replaces proline 973 with leucine.
Molecular consequence: missense variant.
Genome position (GRCh38, 1-based): chr12:53,060,824, C>T. VCF-style: chr12-53060824-C-T. GRCh37 (hg19) VCF-style: chr12-53454608-C-T.
Other names: c.2918C>T, p.Pro973Leu (NM_001416202.1); c.2876C>T, p.Pro959Leu (NM_001416203.1); c.2945C>T, p.Pro982Leu (NM_001416204.1); c.2849C>T, p.Pro950Leu (NM_015319.3); c.2546C>T, p.Pro849Leu (NM_198316.2); short protein forms P973L, P983L, P849L, P950L, P959L, P982L.
Identifiers: ClinVar variation 2041428 (VCV002041428.29), dbSNP rs143336823, ClinGen allele CA6592730.
Genomic context (GRCh38, chr12:53,060,824, plus strand): 5'-GCACCGGAAAGGCCCCTGAGCTGCCGTCGGGAAGTGGGCCTGAGCCTCTGGCCCCTAGCC[C>T]AGTCTCTCCGACCTTCCCTCCCAGCTCGCCCAGTGACTGGCCTCAGGAAAGGAGTCCAGG-3'
Protein context (NP_736610.2, residues 963-983): GSGPEPLAPS[Pro973Leu]VSPTFPPSSP

ClinVar aggregate classification (germline): Conflicting classifications of pathogenicity. Review status: criteria provided, conflicting classifications (1 of 4 stars). 3 submissions from 3 submitters: Uncertain significance (1); Benign (1); Likely benign (1). Last evaluated 2026-01-05.

Allele frequency attached by ClinVar (database versions not stated): gnomAD exomes 0.00035; ExAC 0.00107; 1000 Genomes Project 0.00280; gnomAD 0.00295; ESP Exome Variant Server 0.00300; 1000 Genomes Project 30x 0.00328; TOPMed 0.00366.
gnomAD v4.1: 1,031 of 1,609,048 alleles (0.064%); highest among the groups gnomAD compares: African/African-American, 1%; 9 homozygotes.

Submissions (3):

Labcorp Genetics (formerly Invitae), Labcorp
Classification: Benign. Last evaluated: 2026-01-05. Review status: criteria provided, single submitter. Criteria: Invitae Variant Classification Sherloc (09022015). Collection method: clinical testing. Allele origin: germline.

Ambry Genetics
Classification: Uncertain significance. Last evaluated: 2025-08-02. Review status: criteria provided, single submitter. Criteria: Ambry Variant Classification Scheme 2023. Collection method: clinical testing. Allele origin: germline.

CeGaT Center for Human Genetics Tuebingen
Classification: Likely benign. Last evaluated: 2022-05-01. Review status: criteria provided, single submitter. Criteria: CeGaT Center For Human Genetics Tuebingen Variant Classification Criteria Version 2. Collection method: clinical testing. Allele origin: germline. Affected: yes. Observed: 2 variant alleles.
Comment: TNS2: BP4